The following is an entry in ClinVar:

NM_022168.4(IFIH1):c.1368C>G (p.Asn456Lys)

Gene: IFIH1 (interferon induced with helicase C domain 1; minus strand). Cytogenetic location: 2q24.2.
Variant type: single nucleotide variant.
Coding change: c.1368C>G on transcript NM_022168.4 (MANE Select); coding-DNA position 1368, C replaced by G.
Protein change: p.Asn456Lys; replaces asparagine 456 with lysine.
Molecular consequence: missense variant.
Genome position (GRCh38, 1-based): chr2:162,281,484, G>C on the plus strand (C>G on the coding strand, the complement: IFIH1 is on the minus strand). VCF-style: chr2-162281484-G-C. GRCh37 (hg19) VCF-style: chr2-163137994-G-C.
Other names: short protein forms N456K.
Identifiers: ClinVar variation 1363934 (VCV001363934.8), dbSNP rs1682808224, ClinGen allele CA349002486.

ClinVar aggregate classification (germline): Uncertain significance (1 of 4 stars; one submission).

Conditions:
Singleton-Merten syndrome 1 (SGMRT1). Also called: Widened medullary cavities of bone, aortic calcification, abnormal dentition, and muscular weakness; Syndrome of widened medullary cavities of the metacarpals and phalanges, aortic calcification and abnormal dentition. Identifiers: Orphanet 85191, MedGen C4225427, MONDO:0024535, OMIM 182250.
Aicardi-Goutieres syndrome 7 (AGS7). Identifiers: Orphanet 51, MedGen C3888244, MONDO:0014367, OMIM 615846.

Submission:

Labcorp Genetics (formerly Invitae), Labcorp
Classification: Uncertain significance for Aicardi-Goutieres syndrome 7; Singleton-Merten syndrome 1. Last evaluated: 2021-08-22. Review status: criteria provided, single submitter. Criteria: Invitae Variant Classification Sherloc (09022015). Collection method: clinical testing. Allele origin: germline.
Comment: This variant is not present in population databases (ExAC no frequency). This sequence change replaces asparagine with lysine at codon 456 of the IFIH1 protein (p.Asn456Lys). The asparagine residue is highly conserved and there is a moderate physicochemical difference between asparagine and lysine. In summary, the available evidence is currently insufficient to determine the role of this variant in disease. Therefore, it has been classified as a Variant of Uncertain Significance. Algorithms developed to predict the effect of missense changes on protein structure and function are either unavailable or do not agree on the potential impact of this missense change (SIFT: "Deleterious"; PolyPhen-2: "Benign"; Align-GVGD: "Class C0"). This variant has been observed in at least one individual who was not affected with IFIH1-related conditions (Invitae). This variant has not been reported in the literature in individuals affected with IFIH1-related conditions.